The following is an entry in ClinVar:

ClinVar aggregate classification (germline): Uncertain significance (1 of 4 stars; one submission).

Conditions:
Hereditary cancer-predisposing syndrome. Also called: Neoplastic Syndromes, Hereditary; Tumor predisposition; Hereditary Cancer Syndrome; Hereditary neoplastic syndrome. Identifiers: Orphanet 140162, MedGen C0027672, MeSH D009386, MONDO:0015356.

Submission:

Color Diagnostics, LLC DBA Color Health
Classification: Uncertain significance for Hereditary cancer-predisposing syndrome. Last evaluated: 2025-03-24. Review status: criteria provided, single submitter. Criteria: ACMG Guidelines, 2015. Collection method: clinical testing. Allele origin: germline.
Comment: This missense variant replaces alanine with threonine at codon 309 of the RAD51C protein. Computational prediction suggests that this variant may not impact protein structure and function (internally defined REVEL score threshold <= 0.5, PMID: 27666373). To our knowledge, functional studies have not been reported for this variant. This variant has not been reported in individuals affected with RAD51C-related disorders in the literature. This variant has not been identified in the general population by the Genome Aggregation Database (gnomAD). The available evidence is insufficient to determine the role of this variant in disease conclusively. Therefore, this variant is classified as a Variant of Uncertain Significance.

NM_058216.3(RAD51C):c.925G>A (p.Ala309Thr)

Gene: RAD51C (RAD51 paralog C; plus strand). Cytogenetic location: 17q22.
Variant type: single nucleotide variant.
Coding change: c.925G>A on transcript NM_058216.3 (MANE Select); coding-DNA position 925, G replaced by A.
Protein change: p.Ala309Thr; replaces alanine 309 with threonine.
Molecular consequence: missense variant. On other transcripts: non-coding transcript variant (1).
Genome position (GRCh38, 1-based): chr17:58,724,060, G>A. VCF-style: chr17-58724060-G-A. GRCh37 (hg19) VCF-style: chr17-56801421-G-A.
Other names: short protein forms A309T.
Identifiers: ClinVar variation 3894275 (VCV003894275.1).